The following is an entry in ClinVar:

NM_006118.4(HAX1):c.164A>G (p.Gln55Arg)

Gene: HAX1 (HCLS1 associated protein X-1; plus strand). Cytogenetic location: 1q21.3.
Variant type: single nucleotide variant.
Coding change: c.164A>G on transcript NM_006118.4 (MANE Select); coding-DNA position 164, A replaced by G.
Protein change: p.Gln55Arg; replaces glutamine 55 with arginine.
Molecular consequence: missense variant. On other transcripts: intron variant (1).
Genome position (GRCh38, 1-based): chr1:154,273,446, A>G. VCF-style: chr1-154273446-A-G. GRCh37 (hg19) VCF-style: chr1-154245922-A-G.
Other names: c.54-34A>G (NM_001018837.2); short protein forms Q55R.
Identifiers: ClinVar variation 4621327 (VCV004621327.2).

ClinVar aggregate classification (germline): Uncertain significance. Review status: criteria provided, multiple submitters, no conflicts (2 of 4 stars). 2 submissions from 2 submitters: Uncertain significance (2). Last evaluated 2025-10-01.

Conditions:
Inborn genetic diseases. Identifiers: MedGen C0950123, MeSH D030342.

Submissions (2):

Ambry Genetics
Classification: Uncertain significance for Inborn genetic diseases. Last evaluated: 2025-10-01. Review status: criteria provided, single submitter. Criteria: Ambry Variant Classification Scheme 2023. Collection method: clinical testing. Allele origin: germline.
Comment: The p.Q55R variant (also known as c.164A>G), located in coding exon 2 of the HAX1 gene, results from an A to G substitution at nucleotide position 164. The glutamine at codon 55 is replaced by arginine, an amino acid with highly similar properties. This amino acid position is conserved. In addition, this alteration is predicted to be tolerated by in silico analysis. Based on the available evidence, the clinical significance of this variant remains unclear.

Blueprint Genetics
Classification: Uncertain significance. Last evaluated: 2019-10-10. Review status: criteria provided, single submitter. Criteria: ACMG Guidelines, 2015. Collection method: clinical testing. Allele origin: germline.